The following is an entry in ClinVar:

ClinVar aggregate classification (germline): Uncertain significance. Review status: criteria provided, multiple submitters, no conflicts (2 of 4 stars). 2 submissions from 2 submitters: Uncertain significance (2). Last evaluated 2025-10-27.

Conditions:
Hereditary cancer-predisposing syndrome. Also called: Hereditary neoplastic syndrome; Hereditary Cancer Syndrome; Neoplastic Syndromes, Hereditary; Tumor predisposition. Identifiers: Orphanet 140162, MedGen C0027672, MeSH D009386, MONDO:0015356.

Submissions (2):

Ambry Genetics
Classification: Uncertain significance for Hereditary cancer-predisposing syndrome. Last evaluated: 2025-10-27. Review status: criteria provided, single submitter. Criteria: Ambry Variant Classification Scheme 2023. Collection method: clinical testing. Allele origin: germline.
Comment: The p.E548A variant (also known as c.1643A>C), located in coding exon 15 of the POLE gene, results from an A to C substitution at nucleotide position 1643. The glutamic acid at codon 548 is replaced by alanine, an amino acid with dissimilar properties. This amino acid position is conserved. In addition, the in silico prediction for this alteration is inconclusive. Based on the available evidence, the clinical significance of this variant remains unclear.

Labcorp Genetics (formerly Invitae), Labcorp
Classification: Uncertain significance. Last evaluated: 2023-10-26. Review status: criteria provided, single submitter. Criteria: Invitae Variant Classification Sherloc (09022015). Collection method: clinical testing. Allele origin: germline.
Comment: This sequence change replaces glutamic acid, which is acidic and polar, with alanine, which is neutral and non-polar, at codon 548 of the POLE protein (p.Glu548Ala). This variant is not present in population databases (gnomAD no frequency). This variant has not been reported in the literature in individuals affected with POLE-related conditions. Advanced modeling of protein sequence and biophysical properties (such as structural, functional, and spatial information, amino acid conservation, physicochemical variation, residue mobility, and thermodynamic stability) performed at Invitae indicates that this missense variant is expected to disrupt POLE protein function with a positive predictive value of 80%. In summary, the available evidence is currently insufficient to determine the role of this variant in disease. Therefore, it has been classified as a Variant of Uncertain Significance.

NM_006231.4(POLE):c.1643A>C (p.Glu548Ala)

Gene: POLE (DNA polymerase epsilon, catalytic subunit; minus strand). Cytogenetic location: 12q24.33.
Variant type: single nucleotide variant.
Coding change: c.1643A>C on transcript NM_006231.4 (MANE Select); coding-DNA position 1643, A replaced by C.
Protein change: p.Glu548Ala; replaces glutamic acid 548 with alanine.
Molecular consequence: missense variant.
Genome position (GRCh38, 1-based): chr12:132,672,670, T>G on the plus strand (A>C on the coding strand, the complement: POLE is on the minus strand). VCF-style: chr12-132672670-T-G. GRCh37 (hg19) VCF-style: chr12-133249256-T-G.
Other names: c.1643A>C (NM_006231.2); short protein forms E548A.
Identifiers: ClinVar variation 2771882 (VCV002771882.4), dbSNP rs2542134108, ClinGen allele CA387356613.